The following is an entry in ClinVar:

NM_016180.5(SLC45A2):c.1131C>A (p.Asn377Lys)

Gene: SLC45A2 (solute carrier family 45 member 2; minus strand). Cytogenetic location: 5p13.2.
Variant type: single nucleotide variant.
Coding change: c.1131C>A on transcript NM_016180.5 (MANE Select); coding-DNA position 1131, C replaced by A.
Protein change: p.Asn377Lys; replaces asparagine 377 with lysine.
Molecular consequence: missense variant. On other transcripts: 3 prime UTR variant (1).
Genome position (GRCh38, 1-based): chr5:33,951,579, G>T on the plus strand (C>A on the coding strand, the complement: SLC45A2 is on the minus strand). VCF-style: chr5-33951579-G-T. GRCh37 (hg19) VCF-style: chr5-33951684-G-T.
Other names: c.1131C>A, p.Asn377Lys (NM_001012509.4); c.*73C>A (NM_001297417.4); short protein forms N377K.
Identifiers: ClinVar variation 4086249 (VCV004086249.1).

ClinVar aggregate classification (germline): Uncertain significance (1 of 4 stars; one submission).

Conditions:
Oculocutaneous albinism type 4 (OCA4). Also called: Albinism, oculocutaneous, type IV. Identifiers: Orphanet 79435, MedGen C1847836, MONDO:0011683, OMIM 606574.

Submission:

Neuberg Centre For Genomic Medicine, NCGM
Classification: Uncertain significance for Oculocutaneous albinism type 4. Review status: criteria provided, single submitter. Criteria: ACMG Guidelines, 2015. Collection method: clinical testing. Allele origin: germline. Inheritance: Autosomal recessive inheritance. Affected: yes.
Comment: This variant has not been reported previously in literature. For these reasons, this variant has been classified as Uncertain Significance.